The following is an entry in ClinVar:

ClinVar aggregate classification (germline): Uncertain significance (1 of 4 stars; one submission).

Submission:

Labcorp Genetics (formerly Invitae), Labcorp
Classification: Uncertain significance. Last evaluated: 2022-07-12. Review status: criteria provided, single submitter. Criteria: Invitae Variant Classification Sherloc (09022015). Collection method: clinical testing. Allele origin: germline.
Comment: This variant has not been reported in the literature in individuals affected with CPLANE1-related conditions. In summary, the available evidence is currently insufficient to determine the role of this variant in disease. Therefore, it has been classified as a Variant of Uncertain Significance. Variants that disrupt the consensus splice site are a relatively common cause of aberrant splicing (PMID: 17576681, 9536098). Algorithms developed to predict the effect of sequence changes on RNA splicing suggest that this variant is not likely to affect RNA splicing. ClinVar contains an entry for this variant (Variation ID: 1498671). This variant is not present in population databases (gnomAD no frequency). This sequence change falls in intron 16 of the CPLANE1 gene. It does not directly change the encoded amino acid sequence of the CPLANE1 protein. It affects a nucleotide within the consensus splice site.

Literature cited by the submitters: PubMed 17576681; PubMed 9536098.

NM_001384732.1(CPLANE1):c.2920+6G>A

Gene: CPLANE1 (ciliogenesis and planar polarity effector complex subunit 1; minus strand). Cytogenetic location: 5p13.2.
Variant type: single nucleotide variant.
Coding change: c.2920+6G>A on transcript NM_001384732.1 (MANE Select); 6 bases into the intron after coding-DNA position 2920, G replaced by A.
Molecular consequence: intron variant.
Genome position (GRCh38, 1-based): chr5:37,213,553, C>T on the plus strand (G>A on the coding strand, the complement: CPLANE1 is on the minus strand). VCF-style: chr5-37213553-C-T. GRCh37 (hg19) VCF-style: chr5-37213655-C-T.
Other names: c.2920+6G>A (NM_023073.4).
Identifiers: ClinVar variation 1498671 (VCV001498671.6), dbSNP rs2150247302, ClinGen allele CA2573139645.
Genomic context (GRCh38, chr5:37,213,553, plus strand): 5'-ATGTTTTAAATATTATATTATGTGCAATGCAAAAAAAGTTTAAAAAGGATTTGTTTACTA[C>T]ATTACCTGTTTTAATATGAAGTGGGGGAAGAACATTCACATGATGAGGGGGCAAAATGCA-3'